The following is an entry in ClinVar:

NM_032737.4(LMNB2):c.1049G>A (p.Arg350Gln)

Gene: LMNB2 (lamin B2; minus strand). Cytogenetic location: 19p13.3.
Variant type: single nucleotide variant.
Coding change: c.1049G>A on transcript NM_032737.4 (MANE Select); coding-DNA position 1049, G replaced by A.
Protein change: p.Arg350Gln; replaces arginine 350 with glutamine.
Molecular consequence: missense variant.
Genome position (GRCh38, 1-based): chr19:2,434,448, C>T on the plus strand (G>A on the coding strand, the complement: LMNB2 is on the minus strand). VCF-style: chr19-2434448-C-T. GRCh37 (hg19) VCF-style: chr19-2434446-C-T.
Other names: short protein forms R350Q.
Identifiers: ClinVar variation 641376 (VCV000641376.12), dbSNP rs754644849, ClinGen allele CA9067615.

ClinVar aggregate classification (germline): Uncertain significance. Review status: criteria provided, multiple submitters, no conflicts (2 of 4 stars). 2 submissions from 2 submitters: Uncertain significance (2). Last evaluated 2025-01-21.

Conditions:
Progressive myoclonic epilepsy type 9. Identifiers: Orphanet 457265, MedGen C4225289, MONDO:0014685, OMIM 616540.
Lipodystrophy, partial, acquired, susceptibility to (APLD). Also called: APLD, SUSCEPTIBILITY TO. Identifiers: MedGen C3887501, MONDO:0100476, OMIM 608709.

Allele frequency attached by ClinVar (database versions not stated): ExAC 0.00007; gnomAD exomes 0.00011 and 0.00012; TOPMed 0.00018; gnomAD 0.00019.
gnomAD v4.1: 201 of 1,613,324 alleles (0.012%); highest among the groups gnomAD compares: Middle Eastern, 0.066%; no homozygotes.

Submissions (2):

Labcorp Genetics (formerly Invitae), Labcorp
Classification: Uncertain significance for Progressive myoclonic epilepsy type 9; Lipodystrophy, partial, acquired, susceptibility to. Last evaluated: 2025-01-21. Review status: criteria provided, single submitter. Criteria: Invitae Variant Classification Sherloc (09022015). Collection method: clinical testing. Allele origin: germline.
Comment: This sequence change replaces arginine, which is basic and polar, with glutamine, which is neutral and polar, at codon 350 of the LMNB2 protein (p.Arg350Gln). This variant is present in population databases (rs754644849, gnomAD 0.02%). This missense change has been observed in individual(s) with clinical features of dyslipidemia (PMID: 32041611). ClinVar contains an entry for this variant (Variation ID: 641376). Invitae Evidence Modeling of protein sequence and biophysical properties (such as structural, functional, and spatial information, amino acid conservation, physicochemical variation, residue mobility, and thermodynamic stability) indicates that this missense variant is not expected to disrupt LMNB2 protein function with a negative predictive value of 80%. In summary, the available evidence is currently insufficient to determine the role of this variant in disease. Therefore, it has been classified as a Variant of Uncertain Significance.

Genetic Services Laboratory, University of Chicago
Classification: Uncertain significance. Last evaluated: 2021-02-03. Review status: criteria provided, single submitter. Criteria: ACMG Guidelines, 2015. Collection method: clinical testing. Allele origin: germline. Affected: no.

Literature cited by the submitters: PubMed 32041611 (cited by Labcorp Genetics (formerly Invitae), Labcorp).